The following is an entry in ClinVar:

NM_000133.4(F9):c.712T>G (p.Phe238Val)

Gene: F9 (coagulation factor IX; plus strand). Cytogenetic location: Xq27.1.
Variant type: single nucleotide variant.
Coding change: c.712T>G on transcript NM_000133.4 (MANE Select); coding-DNA position 712, T replaced by G.
Protein change: p.Phe238Val; replaces phenylalanine 238 with valine.
Molecular consequence: missense variant.
Genome position (GRCh38, 1-based): chrX:139,551,253, T>G. VCF-style: chrX-139551253-T-G. GRCh37 (hg19) VCF-style: chrX-138633412-T-G.
Other names: NM_000133.4:c.712T>G; c.598T>G, p.Phe200Val (NM_001313913.2); short protein forms F200V, F238V.
Identifiers: ClinVar variation 1166447 (VCV001166447.12), dbSNP rs143128467, ClinGen allele CA10529821.
Genomic context (GRCh38, chrX:139,551,253, plus strand): 5'-ACCCAATCATTTAATGACTTCACTCGGGTTGTTGGTGGAGAAGATGCCAAACCAGGTCAA[T>G]TCCCTTGGCAGGTACTTTATACTGATGGTGTGTCAAAACTGGAGCTCAGCTGGCAAGACA-3'
Protein context (NP_000124.1, residues 228-248): VGGEDAKPGQ[Phe238Val]PWQVVLNGKV

ClinVar aggregate classification (germline): Benign. Review status: reviewed by expert panel (3 of 4 stars). 2 submissions from 2 submitters: Benign (1). 1 of the submissions does not count toward it. Last evaluated 2024-02-09.

Conditions:
Thrombophilia, X-linked, due to factor 9 defect. Identifiers: MedGen C2749016, MONDO:0010432, OMIM 300807.
Hereditary factor IX deficiency disease (HEMB). Also called: PLASMA THROMBOPLASTIN COMPONENT DEFICIENCY; Hemophilia B; Christmas Disease; F9 DEFICIENCY; FACTOR IX DEFICIENCY. Identifiers: Orphanet 98879, MedGen C0008533, MeSH D002836, MONDO:0010604, OMIM 306900.

Allele frequency attached by ClinVar (database versions not stated): gnomAD exomes 0.00001 and 0.00008; gnomAD 0.00003; TOPMed 0.00003; ESP Exome Variant Server 0.00009; ExAC 0.00011.
gnomAD v4.1: 13 of 1,206,745 alleles (0.0011%); highest among the groups gnomAD compares: East Asian, 0.027%; no homozygotes.

Submissions (2):

ClinGen Coagulation Factor Deficiency Variant Curation Expert Panel, Clingen
Classification: Benign for Hereditary factor IX deficiency disease. Last evaluated: 2024-02-09. Review status: reviewed by expert panel. Criteria: ClinGen CoagFactor ACMG Specifications F9 V1.0.0. Collection method: curation. Allele origin: germline. Inheritance: X-linked inheritance.
Comment: The NM_000133.3:c.712T>G predicts a missense variant, Phe238Val, that is reported at a high MAF of 0.0008074 (12/14862 alleles with 4 hemizygotes) in the East Asian population of gnomAD v2.1.1, meeting the BA1 cut-off of >= 0.0000556. It is reported in the literature in at least one severe Hemophilia B patient who has an additional F9 variant. In summary, this variant meets criteria to be classified as benign. ACMG/AMP criteria applied, as specified by the Coagulation Factor Deficiency VCEP for F9: BA1.

Labcorp Genetics (formerly Invitae), Labcorp
Classification: Benign for Thrombophilia, X-linked, due to factor 9 defect; Hereditary factor IX deficiency disease. Last evaluated: 2024-03-13. Review status: criteria provided, single submitter. Criteria: Invitae Variant Classification Sherloc (09022015). Collection method: clinical testing. Allele origin: germline. Not counted in ClinVar's aggregate classification.